The following is an entry in ClinVar:

ClinVar aggregate classification (germline): Uncertain significance (1 of 4 stars; one submission).

Submission:

Labcorp Genetics (formerly Invitae), Labcorp
Classification: Uncertain significance. Last evaluated: 2023-07-24. Review status: criteria provided, single submitter. Criteria: Invitae Variant Classification Sherloc (09022015). Collection method: clinical testing. Allele origin: germline.
Comment: This sequence change falls in intron 6 of the NFIA gene. It does not directly change the encoded amino acid sequence of the NFIA protein. This variant is not present in population databases (gnomAD no frequency). This variant has not been reported in the literature in individuals affected with NFIA-related conditions. Algorithms developed to predict the effect of sequence changes on RNA splicing suggest that this variant may create or strengthen a splice site. In summary, the available evidence is currently insufficient to determine the role of this variant in disease. Therefore, it has been classified as a Variant of Uncertain Significance.

NM_001134673.4(NFIA):c.947-6T>C

Gene: NFIA (nuclear factor I A; plus strand). Cytogenetic location: 1p31.3.
Variant type: single nucleotide variant.
Coding change: c.947-6T>C on transcript NM_001134673.4 (MANE Select); 6 bases into the intron before coding-DNA position 947, T replaced by C.
Molecular consequence: intron variant.
Genome position (GRCh38, 1-based): chr1:61,383,231, T>C. VCF-style: chr1-61383231-T-C. GRCh37 (hg19) VCF-style: chr1-61848903-T-C.
Other names: c.923-6T>C (NM_001145511.2); c.1082-6T>C (NM_001145512.2); c.947-6T>C (NM_005595.5).
Identifiers: ClinVar variation 2795225 (VCV002795225.3), dbSNP rs2525223727, ClinGen allele CA2739272561.